The following is an entry in ClinVar:

NM_014804.3(KIAA0753):c.2358+1G>A

Gene: KIAA0753 (KIAA0753; minus strand). Cytogenetic location: 17p13.1.
Variant type: single nucleotide variant.
Coding change: c.2358+1G>A on transcript NM_014804.3 (MANE Select); the canonical splice donor site of the intron after coding-DNA position 2358, G replaced by A.
Molecular consequence: splice donor variant.
Genome position (GRCh38, 1-based): chr17:6,596,157, C>T on the plus strand (G>A on the coding strand, the complement: KIAA0753 is on the minus strand). VCF-style: chr17-6596157-C-T. GRCh37 (hg19) VCF-style: chr17-6499477-C-T.
Other names: c.1461+1G>A (NM_001351225.2).
Identifiers: ClinVar variation 2874995 (VCV002874995.3), dbSNP rs2544315665, ClinGen allele CA397405355.

ClinVar aggregate classification (germline): Likely pathogenic (1 of 4 stars; one submission).

Submission:

Labcorp Genetics (formerly Invitae), Labcorp
Classification: Likely pathogenic. Last evaluated: 2023-12-27. Review status: criteria provided, single submitter. Criteria: Invitae Variant Classification Sherloc (09022015). Collection method: clinical testing. Allele origin: germline.
Comment: This sequence change affects a donor splice site in intron 15 of the KIAA0753 gene. It is expected to disrupt RNA splicing. Variants that disrupt the donor or acceptor splice site typically lead to a loss of protein function (PMID: 16199547), and loss-of-function variants in KIAA0753 are known to be pathogenic (PMID: 29138412). This variant is not present in population databases (gnomAD no frequency). This variant has not been reported in the literature in individuals affected with KIAA0753-related conditions. Algorithms developed to predict the effect of sequence changes on RNA splicing suggest that this variant may disrupt the consensus splice site. In summary, the currently available evidence indicates that the variant is pathogenic, but additional data are needed to prove that conclusively. Therefore, this variant has been classified as Likely Pathogenic.

Literature cited by the submitters: PubMed 16199547; PubMed 29138412.